The following is an entry in ClinVar:

NM_001099403.2(PRDM8):c.1736C>T (p.Thr579Ile)

Gene: PRDM8 (PR/SET domain 8; plus strand). Cytogenetic location: 4q21.21.
Variant type: single nucleotide variant.
Coding change: c.1736C>T on transcript NM_001099403.2 (MANE Select); coding-DNA position 1736, C replaced by T.
Protein change: p.Thr579Ile; replaces threonine 579 with isoleucine.
Molecular consequence: missense variant.
Genome position (GRCh38, 1-based): chr4:80,203,198, C>T. VCF-style: chr4-80203198-C-T. GRCh37 (hg19) VCF-style: chr4-81124352-C-T.
Other names: c.1736C>T, p.Thr579Ile (NM_020226.4); short protein forms T579I.
Identifiers: ClinVar variation 1436061 (VCV001436061.8), dbSNP rs1738703576, ClinGen allele CA357402452.

ClinVar aggregate classification (germline): Uncertain significance (1 of 4 stars; one submission).

Conditions:
Early-onset Lafora body disease. Also called: Epilepsy, progressive myoclonic, 10. Identifiers: Orphanet 324290, MedGen C4225258, MONDO:0014717, OMIM 616640.

gnomAD v4.1: 3 of 1,551,006 alleles (0.00019%); highest among the groups gnomAD compares: Non-Finnish European, 0.00026%; no homozygotes.

Submission:

Labcorp Genetics (formerly Invitae), Labcorp
Classification: Uncertain significance for Early-onset Lafora body disease. Last evaluated: 2021-01-14. Review status: criteria provided, single submitter. Criteria: Invitae Variant Classification Sherloc (09022015). Collection method: clinical testing. Allele origin: germline.
Comment: In summary, the available evidence is currently insufficient to determine the role of this variant in disease. Therefore, it has been classified as a Variant of Uncertain Significance. Algorithms developed to predict the effect of missense changes on protein structure and function are either unavailable or do not agree on the potential impact of this missense change (SIFT: "Deleterious"; PolyPhen-2: "Probably Damaging"; Align-GVGD: "Class C0"). This sequence change replaces threonine with isoleucine at codon 579 of the PRDM8 protein (p.Thr579Ile). The threonine residue is highly conserved and there is a moderate physicochemical difference between threonine and isoleucine. The frequency data for this variant in the population databases is considered unreliable, as metrics indicate insufficient coverage at this position in the ExAC database. This variant has not been reported in the literature in individuals with PRDM8-related conditions.